The following is an entry in ClinVar:

NM_000138.5(FBN1):c.2336G>T (p.Gly779Val)

Gene: FBN1 (fibrillin 1; minus strand). Cytogenetic location: 15q21.1.
Variant type: single nucleotide variant.
Coding change: c.2336G>T on transcript NM_000138.5 (MANE Select); coding-DNA position 2336, G replaced by T.
Protein change: p.Gly779Val; replaces glycine 779 with valine.
Molecular consequence: missense variant.
Genome position (GRCh38, 1-based): chr15:48,496,183, C>A on the plus strand (G>T on the coding strand, the complement: FBN1 is on the minus strand). VCF-style: chr15-48496183-C-A. GRCh37 (hg19) VCF-style: chr15-48788380-C-A.
Other names: c.2336G>T, p.Gly779Val (NM_001406716.1); short protein forms G779V.
Identifiers: ClinVar variation 5041697 (VCV005041697.1).
Genomic context (GRCh38, chr15:48,496,183, plus strand): 5'-TTGTAGATAAATCCCTTGGGGCAGGTACAGACAAAACTTCCAGGAGTATTTCTACATTGT[C>A]CATTGTCACAAAGGAGACTGTTCAGTACACATTCATTAATATCTGCAAAGTCAATGAAAA-3'
Protein context (NP_000129.3, residues 769-789): CVLNSLLCDN[Gly779Val]QCRNTPGSFV

ClinVar aggregate classification (germline): Likely pathogenic (1 of 4 stars; one submission).

Submission:

CeGaT Center for Human Genetics Tuebingen
Classification: Likely pathogenic. Last evaluated: 2026-09-01. Review status: criteria provided, single submitter. Criteria: CeGaT Center For Human Genetics Tuebingen Variant Classification Criteria Version 2. Collection method: clinical testing. Allele origin: germline. Affected: yes. Observed: 1 variant allele.
Comment: FBN1: PM1:Strong, PM2, PP3